The following is an entry in ClinVar:

NM_001846.4(COL4A2):c.4951C>T (p.Arg1651Cys)

Gene: COL4A2 (collagen type IV alpha 2 chain; plus strand). Cytogenetic location: 13q34.
Variant type: single nucleotide variant.
Coding change: c.4951C>T on transcript NM_001846.4 (MANE Select); coding-DNA position 4951, C replaced by T.
Protein change: p.Arg1651Cys; replaces arginine 1651 with cysteine.
Molecular consequence: missense variant.
Genome position (GRCh38, 1-based): chr13:110,512,003, C>T. VCF-style: chr13-110512003-C-T. GRCh37 (hg19) VCF-style: chr13-111164350-C-T.
Other names: short protein forms R1651C.
Identifiers: ClinVar variation 1415830 (VCV001415830.7), dbSNP rs569071842, ClinGen allele CA7050716.

ClinVar aggregate classification (germline): Uncertain significance. Review status: criteria provided, multiple submitters, no conflicts (2 of 4 stars). 2 submissions from 2 submitters: Uncertain significance (2). Last evaluated 2023-03-03.

Allele frequency attached by ClinVar (database versions not stated): gnomAD 0.00002 and 0.00003; TOPMed 0.00004; gnomAD exomes 0.00006; ExAC 0.00009; 1000 Genomes Project 30x 0.00016; 1000 Genomes Project 0.00020.
gnomAD v4.1: 29 of 1,613,592 alleles (0.0018%); highest among the groups gnomAD compares: East Asian, 0.0089%; no homozygotes.

Submissions (2):

Labcorp Genetics (formerly Invitae), Labcorp
Classification: Uncertain significance. Last evaluated: 2023-03-03. Review status: criteria provided, single submitter. Criteria: Invitae Variant Classification Sherloc (09022015). Collection method: clinical testing. Allele origin: germline.
Comment: This sequence change replaces arginine, which is basic and polar, with cysteine, which is neutral and slightly polar, at codon 1651 of the COL4A2 protein (p.Arg1651Cys). This variant is present in population databases (rs569071842, gnomAD 0.02%). This variant has not been reported in the literature in individuals affected with COL4A2-related conditions. ClinVar contains an entry for this variant (Variation ID: 1415830). Advanced modeling of protein sequence and biophysical properties (such as structural, functional, and spatial information, amino acid conservation, physicochemical variation, residue mobility, and thermodynamic stability) has been performed at Invitae for this missense variant, however the output from this modeling did not meet the statistical confidence thresholds required to predict the impact of this variant on COL4A2 protein function. In summary, the available evidence is currently insufficient to determine the role of this variant in disease. Therefore, it has been classified as a Variant of Uncertain Significance.

Clinical Genetics Laboratory, Skane University Hospital Lund
Classification: Uncertain significance. Last evaluated: 2022-07-25. Review status: criteria provided, single submitter. Criteria: ACMG Guidelines, 2015. Collection method: clinical testing. Allele origin: germline. Affected: yes.